The following is an entry in ClinVar:

NM_020911.2(PLXNA4):c.1371+4462G>C

Gene: PLXNA4 (plexin A4; minus strand). Cytogenetic location: 7q32.3.
Variant type: single nucleotide variant.
Coding change: c.1371+4462G>C on transcript NM_020911.2 (MANE Select); 4462 bases into the intron after coding-DNA position 1371, G replaced by C.
Molecular consequence: intron variant. On other transcripts: missense variant (1).
Genome position (GRCh38, 1-based): chr7:132,484,830, C>G on the plus strand (G>C on the coding strand, the complement: PLXNA4 is on the minus strand). VCF-style: chr7-132484830-C-G. GRCh37 (hg19) VCF-style: chr7-132169589-C-G.
Other names: c.1555G>C, p.Gly519Arg (NM_181775.4); c.1371+4462G>C (NM_001393897.1, NM_001105543.2); short protein forms G519R.
Identifiers: ClinVar variation 4979226 (VCV004979226.1).

ClinVar aggregate classification (germline): Uncertain significance (1 of 4 stars; one submission).

Conditions:
PLXNA4-related disorder. Also called: PLXNA4-related condition.

gnomAD v4.1: 33 of 1,613,782 alleles (0.002%); highest among the groups gnomAD compares: Non-Finnish European, 0.0027%; no homozygotes.

Submission:

PreventionGenetics, part of Exact Sciences
Classification: Uncertain significance for PLXNA4-related condition. Last evaluated: 2026-09-06. Review status: criteria provided, single submitter. Criteria: ACMG Guidelines, 2015. Collection method: clinical testing. Allele origin: germline.
Comment: The PLXNA4 c.1555G>C variant is predicted to result in the amino acid substitution p.Gly519Arg. To our knowledge, this variant has not been reported in the literature. This variant is reported in 0.0039% of alleles in individuals of European (Non-Finnish) descent in gnomAD. At this time, the clinical significance of this variant is uncertain due to the absence of conclusive functional and genetic evidence.